The following is an entry in ClinVar:

NM_000133.4(F9):c.482A>G (p.Tyr161Cys)

Gene: F9 (coagulation factor IX; plus strand). Cytogenetic location: Xq27.1.
Variant type: single nucleotide variant.
Coding change: c.482A>G on transcript NM_000133.4 (MANE Select); coding-DNA position 482, A replaced by G.
Protein change: p.Tyr161Cys; replaces tyrosine 161 with cysteine.
Molecular consequence: missense variant.
Genome position (GRCh38, 1-based): chrX:139,548,453, A>G. VCF-style: chrX-139548453-A-G. GRCh37 (hg19) VCF-style: chrX-138630612-A-G.
Other names: c.368A>G, p.Tyr123Cys (NM_001313913.2); short protein forms Y123C, Y161C.
Identifiers: ClinVar variation 963994 (VCV000963994.9), dbSNP rs1927768329, ClinGen allele CA414439233.

ClinVar aggregate classification (germline): Likely pathogenic (1 of 4 stars; one submission).

Conditions:
Hereditary factor IX deficiency disease (HEMB). Also called: F9 DEFICIENCY; FACTOR IX DEFICIENCY; PLASMA THROMBOPLASTIN COMPONENT DEFICIENCY; Hemophilia B; Christmas Disease. Identifiers: Orphanet 98879, MedGen C0008533, MeSH D002836, MONDO:0010604, OMIM 306900.
Thrombophilia, X-linked, due to factor 9 defect. Identifiers: MedGen C2749016, MONDO:0010432, OMIM 300807.

Allele frequency attached by ClinVar (database versions not stated): TOPMed 0.00001.

Submission:

Labcorp Genetics (formerly Invitae), Labcorp
Classification: Likely pathogenic for Thrombophilia, X-linked, due to factor 9 defect; Hereditary factor IX deficiency disease. Last evaluated: 2019-09-09. Review status: criteria provided, single submitter. Criteria: Invitae Variant Classification Sherloc (09022015). Collection method: clinical testing. Allele origin: germline.
Comment: In summary, the currently available evidence indicates that the variant is pathogenic, but additional data are needed to prove that conclusively. Therefore, this variant has been classified as Likely Pathogenic. This variant disrupts the p.Tyr161 amino acid residue in F9. Other variant(s) that disrupt this residue have been observed in individuals with F9-related conditions (PMID: 27529981), which suggests that this may be a clinically significant amino acid residue. This variant has been reported to affect F9 protein function (PMID: 29993188). This variant has been observed in individuals affected with hemophilia B (PMID: 7937052, 19699296). This variant is also known as A17759G (p.Tyr115Cys) in the literature. This variant is not present in population databases (ExAC no frequency). This sequence change replaces tyrosine with cysteine at codon 161 of the F9 protein (p.Tyr161Cys). The tyrosine residue is highly conserved and there is a large physicochemical difference between tyrosine and cysteine.

Literature cited by the submitters: PubMed 27529981; PubMed 29993188; PubMed 7937052; PubMed 19699296.